The following is an entry in ClinVar:

ClinVar aggregate classification (germline): Uncertain significance (1 of 4 stars; one submission).

Allele frequency attached by ClinVar (database versions not stated): gnomAD 0.00001; gnomAD exomes 0.00001 and 0.00002; TOPMed 0.00001.
gnomAD v4.1: 10 of 1,614,088 alleles (0.00062%); highest among the groups gnomAD compares: Admixed American, 0.012%; no homozygotes.

Submission:

Labcorp Genetics (formerly Invitae), Labcorp
Classification: Uncertain significance. Last evaluated: 2020-08-18. Review status: criteria provided, single submitter. Criteria: Invitae Variant Classification Sherloc (09022015). Collection method: clinical testing. Allele origin: germline.
Comment: In summary, the available evidence is currently insufficient to determine the role of this variant in disease. Therefore, it has been classified as a Variant of Uncertain Significance. Algorithms developed to predict the effect of missense changes on protein structure and function output the following: SIFT: "Tolerated"; PolyPhen-2: "Benign"; Align-GVGD: "Class C0". The threonine amino acid residue is found in multiple mammalian species, suggesting that this missense change does not adversely affect protein function. These predictions have not been confirmed by published functional studies and their clinical significance is uncertain. This variant has not been reported in the literature in individuals with RGS9-related conditions. This variant is not present in population databases (ExAC no frequency). This sequence change replaces alanine with threonine at codon 662 of the RGS9 protein (p.Ala662Thr). The alanine residue is weakly conserved and there is a small physicochemical difference between alanine and threonine.

NM_003835.4(RGS9):c.1984G>A (p.Ala662Thr)

Gene: RGS9 (regulator of G protein signaling 9; plus strand). Cytogenetic location: 17q24.1.
Variant type: single nucleotide variant.
Coding change: c.1984G>A on transcript NM_003835.4 (MANE Select); coding-DNA position 1984, G replaced by A.
Protein change: p.Ala662Thr; replaces alanine 662 with threonine.
Molecular consequence: missense variant.
Genome position (GRCh38, 1-based): chr17:65,227,366, G>A. VCF-style: chr17-65227366-G-A. GRCh37 (hg19) VCF-style: chr17-63223484-G-A.
Other names: c.1975G>A, p.Ala659Thr (NM_001081955.3); short protein forms A659T, A662T.
Identifiers: ClinVar variation 1006860 (VCV001006860.8), dbSNP rs1206785419, ClinGen allele CA400674390.